The following is an entry in ClinVar:

NM_000228.3(LAMB3):c.2269G>T (p.Gly757Ter)

Gene: LAMB3 (laminin subunit beta 3; minus strand). Cytogenetic location: 1q32.2.
Variant type: single nucleotide variant.
Coding change: c.2269G>T on transcript NM_000228.3 (MANE Select); coding-DNA position 2269, G replaced by T.
Protein change: p.Gly757Ter; replaces glycine 757 with a stop codon.
Molecular consequence: nonsense.
Genome position (GRCh38, 1-based): chr1:209,623,594, C>A on the plus strand (G>T on the coding strand, the complement: LAMB3 is on the minus strand). VCF-style: chr1-209623594-C-A. GRCh37 (hg19) VCF-style: chr1-209796939-C-A.
Other names: c.2269G>T, p.Gly757Ter (NM_001017402.2, NM_001127641.1); short protein forms G757*.
Identifiers: ClinVar variation 2811215 (VCV002811215.4), dbSNP rs2464797223, ClinGen allele CA344588377.

ClinVar aggregate classification (germline): Pathogenic. Review status: criteria provided, multiple submitters, no conflicts (2 of 4 stars). 2 submissions from 2 submitters: Pathogenic (2). Last evaluated 2025-06-19.

Conditions:
Junctional epidermolysis bullosa. Identifiers: Orphanet 305, MedGen C0079301, MONDO:0017612.

Submissions (2):

Myriad Genetics, Inc.
Classification: Pathogenic for Junctional epidermolysis bullosa. Last evaluated: 2025-06-19. Review status: criteria provided, single submitter. Criteria: Myriad Autosomal Dominant, Autosomal Recessive and X-Linked Classification Criteria (2023). Collection method: clinical testing. Allele origin: unknown.
Comment: NM_000228.2(LAMB3):c.2269G>T(G757*) is a nonsense variant classified as pathogenic in the context of junctional epidermolysis bullosa, LAMB3-related. G757* has not been observed in cases with relevant disease. Relevant functional assessments of this variant are not available in the literature. G757* has not been observed in referenced population frequency databases. In summary, NM_000228.2(LAMB3):c.2269G>T(G757*) is a nonsense variant in a gene where loss of function is a known mechanism of disease and is predicted to disrupt protein function. Please note: this variant was assessed in the context of healthy population screening.

Labcorp Genetics (formerly Invitae), Labcorp
Classification: Pathogenic. Last evaluated: 2022-11-01. Review status: criteria provided, single submitter. Criteria: Invitae Variant Classification Sherloc (09022015). Collection method: clinical testing. Allele origin: germline.
Comment: This variant is not present in population databases (gnomAD no frequency). This sequence change creates a premature translational stop signal (p.Gly757*) in the LAMB3 gene. It is expected to result in an absent or disrupted protein product. Loss-of-function variants in LAMB3 are known to be pathogenic (PMID: 11023379, 16473856). This variant has not been reported in the literature in individuals affected with LAMB3-related conditions. For these reasons, this variant has been classified as Pathogenic.

Literature cited by the submitters: PubMed 11023379 (cited by Labcorp Genetics (formerly Invitae), Labcorp); PubMed 16473856 (cited by Labcorp Genetics (formerly Invitae), Labcorp).